The following is an entry in ClinVar:

NM_022725.4(FANCF):c.729G>T (p.Gly243=)

Gene: FANCF (FA complementation group F; minus strand). Cytogenetic location: 11p14.3.
Variant type: single nucleotide variant.
Coding change: c.729G>T on transcript NM_022725.4 (MANE Select); coding-DNA position 729, G replaced by T.
Protein change: p.Gly243=; no amino-acid change (glycine 243 retained).
Molecular consequence: synonymous variant.
Genome position (GRCh38, 1-based): chr11:22,625,082, C>A on the plus strand (G>T on the coding strand, the complement: FANCF is on the minus strand). VCF-style: chr11-22625082-C-A. GRCh37 (hg19) VCF-style: chr11-22646628-C-A.
Identifiers: ClinVar variation 3620195 (VCV003620195.2).

ClinVar aggregate classification (germline): Uncertain significance (1 of 4 stars; one submission).

Conditions:
Fanconi anemia (FA). Also called: Fanconi's anemia. Identifiers: Orphanet 84, MedGen C0015625, MeSH D005199, MONDO:0019391.

gnomAD v4.1: 7 of 1,613,832 alleles (0.00043%); highest among the groups gnomAD compares: Non-Finnish European, 0.00059%; no homozygotes.

Submission:

Labcorp Genetics (formerly Invitae), Labcorp
Classification: Uncertain significance for Fanconi anemia. Last evaluated: 2024-06-02. Review status: criteria provided, single submitter. Criteria: Invitae Variant Classification Sherloc (09022015). Collection method: clinical testing. Allele origin: germline.
Comment: This sequence change affects codon 243 of the FANCF mRNA. It is a 'silent' change, meaning that it does not change the encoded amino acid sequence of the FANCF protein. This variant is present in population databases (no rsID available, gnomAD 0.0009%). This variant has not been reported in the literature in individuals affected with FANCF-related conditions. In summary, the available evidence is currently insufficient to determine the role of this variant in disease. Therefore, it has been classified as a Variant of Uncertain Significance.